The following is an entry in ClinVar:

ClinVar aggregate classification (germline): Uncertain significance. Review status: criteria provided, multiple submitters, no conflicts (2 of 4 stars). 3 submissions from 3 submitters: Uncertain significance (3). Last evaluated 2025-12-24.

Conditions:
CFAP418-related disorder. Also called: CFAP418-related condition.
Retinitis pigmentosa (RP). Identifiers: Orphanet 791, MedGen C0035334, MeSH D012174, MONDO:0019200, OMIM 268000. Inheritance: Autosomal dominant, autosomal recessive and X linked inheritance.
Bardet-biedl syndrome 21. Identifiers: MedGen C4319932, MONDO:0044308, OMIM 617406.
Cone-rod dystrophy 16 (CORD16). Identifiers: MedGen C3281045, MONDO:0013786, OMIM 614500.

Allele frequency attached by ClinVar (database versions not stated): gnomAD exomes below 0.00001 and 0.00001; TOPMed 0.00001; ExAC 0.00002.

Submissions (3):

PreventionGenetics, part of Exact Sciences
Classification: Uncertain significance for CFAP418-related condition. Last evaluated: 2025-12-24. Review status: criteria provided, single submitter. Criteria: ACMG Guidelines, 2015. Collection method: clinical testing. Allele origin: germline.
Comment: The CFAP418 c.65T>C variant is predicted to result in the amino acid substitution p.Leu22Pro. To our knowledge, this variant has not been reported in the literature. This variant is reported in 0.0018% of alleles in individuals of European (Non-Finnish) descent in gnomAD. At this time, the clinical significance of this variant is uncertain due to the absence of conclusive functional and genetic evidence.

Labcorp Genetics (formerly Invitae), Labcorp
Classification: Uncertain significance. Last evaluated: 2022-03-19. Review status: criteria provided, single submitter. Criteria: Invitae Variant Classification Sherloc (09022015). Collection method: clinical testing. Allele origin: germline.
Comment: In summary, the available evidence is currently insufficient to determine the role of this variant in disease. Therefore, it has been classified as a Variant of Uncertain Significance. Algorithms developed to predict the effect of missense changes on protein structure and function output the following: SIFT: "Deleterious"; PolyPhen-2: "Benign"; Align-GVGD: "Class C0". The proline amino acid residue is found in multiple mammalian species, which suggests that this missense change does not adversely affect protein function. This variant has not been reported in the literature in individuals affected with C8orf37-related conditions. This variant is present in population databases (rs767780150, gnomAD 0.003%). This sequence change replaces leucine, which is neutral and non-polar, with proline, which is neutral and non-polar, at codon 22 of the C8orf37 protein (p.Leu22Pro).

Fulgent Genetics
Classification: Uncertain significance for Retinitis pigmentosa; Cone-rod dystrophy 16; Bardet-biedl syndrome 21. Last evaluated: 2022-02-03. Review status: criteria provided, single submitter. Criteria: ACMG Guidelines, 2015. Collection method: clinical testing. Allele origin: unknown.

NM_177965.4(CFAP418):c.65T>C (p.Leu22Pro)

Genes: CFAP418-AS1 (CFAP418 antisense RNA 1; plus strand), CFAP418 (cilia and flagella associated protein 418; minus strand), LOC130000784 (ATAC-STARR-seq lymphoblastoid active region 27655; plus strand). Cytogenetic location: 8q22.1.
Variant type: single nucleotide variant.
Coding change: c.65T>C on transcript NM_177965.4 (MANE Select); coding-DNA position 65, T replaced by C.
Protein change: p.Leu22Pro; replaces leucine 22 with proline.
Molecular consequence: missense variant.
Genome position (GRCh38, 1-based): chr8:95,269,125, A>G on the plus strand (T>C on the coding strand, the complement: CFAP418 is on the minus strand). VCF-style: chr8-95269125-A-G. GRCh37 (hg19) VCF-style: chr8-96281353-A-G.
Other names: c.65T>C (NM_177965.3); c.65T>C, p.Leu22Pro (NM_001363260.1); short protein forms L22P.
Identifiers: ClinVar variation 1681154 (VCV001681154.7), dbSNP rs767780150, ClinGen allele CA4815285.
Genomic context (GRCh38, chr8:95,269,125, plus strand): 5'-CGGTCGCTACTGTGGGTGCCGCCGCCGCAGCCTTTGGGCTGCTCGACCATACCCCGTCTT[A>G]GAAGGTCAGGTGTGCAAAACTTGGACTCGACTTCATCCAAGAGCTCGTCCAGGTCCTCCG-3'
Protein context (NP_808880.1, residues 12-32): VESKFCTPDL[Leu22Pro]RRGMVEQPKG